The following is an entry in ClinVar:

ClinVar aggregate classification (germline): Uncertain significance. Review status: criteria provided, multiple submitters, no conflicts (2 of 4 stars). 2 submissions from 2 submitters: Uncertain significance (2). Last evaluated 2025-10-28.

Conditions:
Cardiomyopathy (CMYO). Also called: Cardiomyopathies. Identifiers: Orphanet 167848, MedGen C0878544, MONDO:0004994, HP:0001638. Inheritance: Various modes of inheritance.

Submissions (2):

Color Diagnostics, LLC DBA Color Health
Classification: Uncertain significance for Cardiomyopathy. Last evaluated: 2025-10-28. Review status: criteria provided, single submitter. Criteria: ACMG Guidelines, 2015. Collection method: clinical testing. Allele origin: germline.
Comment: This missense variant replaces isoleucine with phenylalanine at codon 565 of the DSC2 protein. Computational prediction suggests that this variant may not impact protein structure and function. To our knowledge, functional studies have not been reported for this variant. This variant has been reported in an individual referred for genetic testing for hypertrophic cardiomyopathy (PMID: 33954932). This variant has not been identified in the general population by the Genome Aggregation Database (gnomAD). The available evidence is insufficient to determine the role of this variant in disease conclusively. Therefore, this variant is classified as a Variant of Uncertain Significance.

GeneDx
Classification: Uncertain significance. Last evaluated: 2025-02-19. Review status: criteria provided, single submitter. Criteria: GeneDx Variant Classification Process June 2021. Collection method: clinical testing. Allele origin: germline. Affected: yes.
Comment: Not observed at significant frequency in large population cohorts (gnomAD); In silico analysis supports that this missense variant has a deleterious effect on protein structure/function; Has not been previously published as pathogenic or benign to our knowledge

Literature cited by the submitters: PubMed 33954932 (cited by Color Diagnostics, LLC DBA Color Health).

NM_024422.6(DSC2):c.1693A>T (p.Ile565Phe)

Gene: DSC2 (desmocollin 2; minus strand). Cytogenetic location: 18q12.1.
Variant type: single nucleotide variant.
Coding change: c.1693A>T on transcript NM_024422.6 (MANE Select); coding-DNA position 1693, A replaced by T.
Protein change: p.Ile565Phe; replaces isoleucine 565 with phenylalanine.
Molecular consequence: missense variant.
Genome position (GRCh38, 1-based): chr18:31,074,878, T>A on the plus strand (A>T on the coding strand, the complement: DSC2 is on the minus strand). VCF-style: chr18-31074878-T-A. GRCh37 (hg19) VCF-style: chr18-28654844-T-A.
Other names: c.1264A>T, p.Ile422Phe (NM_001406506.1, NM_001406507.1); c.1693A>T, p.Ile565Phe (NM_004949.5); short protein forms I422F, I565F.
Identifiers: ClinVar variation 4076668 (VCV004076668.2).